The following is an entry in ClinVar:

NM_001004334.4(GPR179):c.958C>T (p.Arg320Ter)

Gene: GPR179 (G protein-coupled receptor 179; minus strand). Cytogenetic location: 17q12.
Variant type: single nucleotide variant.
Coding change: c.958C>T on transcript NM_001004334.4 (MANE Select); coding-DNA position 958, C replaced by T.
Protein change: p.Arg320Ter; replaces arginine 320 with a stop codon.
Molecular consequence: nonsense.
Genome position (GRCh38, 1-based): chr17:38,337,666, G>A on the plus strand (C>T on the coding strand, the complement: GPR179 is on the minus strand). VCF-style: chr17-38337666-G-A. GRCh37 (hg19) VCF-style: chr17-36493549-G-A.
Other names: short protein forms R320*.
Identifiers: ClinVar variation 1907776 (VCV001907776.9), dbSNP rs768587459, ClinGen allele CA290109636.

ClinVar aggregate classification (germline): Pathogenic/Likely pathogenic. Review status: criteria provided, multiple submitters, no conflicts (2 of 4 stars). 4 submissions from 4 submitters: Pathogenic (2); Likely pathogenic (2). Last evaluated 2025-03-17.

Conditions:
GPR179-related disorders.
Congenital stationary night blindness 1E. Also called: Night blindness, congenital stationary (complete), 1E, autosomal recessive. Identifiers: Orphanet 215, MedGen C3281215, MONDO:0013807, OMIM 614565.
Retinal dystrophy. Also called: Inherited retinal dystrophy. Identifiers: Orphanet 71862, MedGen C0854723, MeSH D058499, MONDO:0019118, HP:0000556.

Submissions (4):

Labcorp Genetics (formerly Invitae), Labcorp
Classification: Pathogenic. Last evaluated: 2025-03-17. Review status: criteria provided, single submitter. Criteria: Invitae Variant Classification Sherloc (09022015). Collection method: clinical testing. Allele origin: germline.
Comment: This sequence change creates a premature translational stop signal (p.Arg320*) in the GPR179 gene. It is expected to result in an absent or disrupted protein product. Loss-of-function variants in GPR179 are known to be pathogenic (PMID: 22325361, 22325362). This variant is present in population databases (rs768587459, gnomAD 0.006%). This variant has not been reported in the literature in individuals affected with GPR179-related conditions. ClinVar contains an entry for this variant (Variation ID: 1907776). For these reasons, this variant has been classified as Pathogenic.

Blueprint Genetics
Classification: Pathogenic for GPR179-related disorders. Last evaluated: 2022-11-04. Review status: criteria provided, single submitter. Criteria: ACMG Guidelines, 2015. Collection method: clinical testing. Allele origin: germline. Affected: yes. Observed: 5 variant alleles.

Institute of Human Genetics, Univ. Regensburg, Univ. Regensburg
Classification: Likely pathogenic for Retinal dystrophy. Last evaluated: 2022-01-01. Review status: criteria provided, single submitter. Criteria: ACMG Guidelines, 2015. Collection method: clinical testing. Allele origin: germline. Affected: yes.

Juno Genomics, Hangzhou Juno Genomics, Inc
Classification: Likely pathogenic for Congenital stationary night blindness 1E. Review status: criteria provided, single submitter. Criteria: ACMG Guidelines, 2015. Collection method: clinical testing. Allele origin: germline. Affected: yes.
Comment: Absent from controls (or at extremely low frequency if recessive) in Genome Aggregation Database, Exome Sequencing Project, 1000 Genomes Project, or Exome Aggregation Consortium.;Null variant in a gene where loss of function (LOF) is a known mechanism of disease.

Literature cited by the submitters: PubMed 22325361 (cited by Labcorp Genetics (formerly Invitae), Labcorp); PubMed 22325362 (cited by Labcorp Genetics (formerly Invitae), Labcorp); PubMed 31964843 (cited by Institute of Human Genetics, Univ. Regensburg, Univ. Regensburg).